The following is an entry in ClinVar:

NM_001278116.2(L1CAM):c.928T>A (p.Tyr310Asn)

Gene: L1CAM (L1 cell adhesion molecule; minus strand). Cytogenetic location: Xq28.
Variant type: single nucleotide variant.
Coding change: c.928T>A on transcript NM_001278116.2 (MANE Select); coding-DNA position 928, T replaced by A.
Protein change: p.Tyr310Asn; replaces tyrosine 310 with asparagine.
Molecular consequence: missense variant.
Genome position (GRCh38, 1-based): chrX:153,870,119, A>T on the plus strand (T>A on the coding strand, the complement: L1CAM is on the minus strand). VCF-style: chrX-153870119-A-T. GRCh37 (hg19) VCF-style: chrX-153135574-A-T.
Other names: c.928T>A (NM_000425.3); c.928T>A, p.Tyr310Asn (NM_000425.5, NM_024003.3); c.913T>A, p.Tyr305Asn (NM_001143963.2); short protein forms Y305N, Y310N.
Identifiers: ClinVar variation 4802219 (VCV004802219.2).
Genomic context (GRCh38, chrX:153,870,119, plus strand): 5'-CCACGGTGACATAGTACGCATGCCGGGCACTGCCCAGTGAGTTCTCGGCCAGGCAGCGGT[A>T]CTCGCCATCATCCTCCTCGCCCACTTTCAGCAGCTGCAGGGTCTTGTTGTGGTTCTGGTA-3'
Protein context (NP_001265045.1, residues 300-320): LKVGEEDDGE[Tyr310Asn]RCLAENSLGS

ClinVar aggregate classification (germline): Uncertain significance. Review status: criteria provided, multiple submitters, no conflicts (2 of 4 stars). 2 submissions from 2 submitters: Uncertain significance (2). Last evaluated 2026-06-02.

Conditions:
Spastic paraplegia. Identifiers: MedGen C0037772, HP:0001258.
Inborn genetic diseases. Identifiers: MedGen C0950123, MeSH D030342.

Submissions (2):

Ambry Genetics
Classification: Uncertain significance for Inborn genetic diseases. Last evaluated: 2026-06-02. Review status: criteria provided, single submitter. Criteria: Ambry Variant Classification Scheme 2023. Collection method: clinical testing. Allele origin: germline.
Comment: The c.928T>A (p.Y310N) alteration is located in exon 8 (coding exon 8) of the L1CAM gene. This alteration results from a T to A substitution at nucleotide position 928, causing the tyrosine (Y) at amino acid position 310 to be replaced by an asparagine (N). This variant was not reported in population-based cohorts in the Genome Aggregation Database (gnomAD). Other variant(s) at the same codon, c.929A>G (p.Y310C) have been identified in individual(s) with features consistent with CRASH syndrome (Bertolin, 2010). This amino acid position is highly conserved in available vertebrate species. This alteration is predicted to be deleterious by in silico analysis. Based on insufficient or conflicting evidence, the clinical significance of this alteration remains unclear.

Labcorp Genetics (formerly Invitae), Labcorp
Classification: Uncertain significance for Spastic paraplegia. Last evaluated: 2025-11-17. Review status: criteria provided, single submitter. Criteria: Invitae Variant Classification Sherloc (09022015). Collection method: clinical testing. Allele origin: germline.
Comment: This sequence change replaces tyrosine, which is neutral and polar, with asparagine, which is neutral and polar, at codon 310 of the L1CAM protein (p.Tyr310Asn). This variant is not present in population databases (gnomAD no frequency). This variant has not been reported in the literature in individuals affected with L1CAM-related conditions. Invitae Evidence Modeling of protein sequence and biophysical properties (such as structural, functional, and spatial information, amino acid conservation, physicochemical variation, residue mobility, and thermodynamic stability) indicates that this missense variant is expected to disrupt L1CAM protein function with a positive predictive value of 95%. In summary, the available evidence is currently insufficient to determine the role of this variant in disease. Therefore, it has been classified as a Variant of Uncertain Significance.

Literature cited by the submitters: PubMed 20447653 (cited by Ambry Genetics).